The following is an entry in ClinVar:

NM_000384.3(APOB):c.11427C>T (p.Pro3809=)

Gene: APOB (apolipoprotein B; minus strand). Cytogenetic location: 2p24.1.
Variant type: single nucleotide variant.
Coding change: c.11427C>T on transcript NM_000384.3 (MANE Select); coding-DNA position 11427, C replaced by T.
Protein change: p.Pro3809=; no amino-acid change (proline 3809 retained).
Molecular consequence: synonymous variant.
Genome position (GRCh38, 1-based): chr2:21,005,441, G>A on the plus strand (C>T on the coding strand, the complement: APOB is on the minus strand). VCF-style: chr2-21005441-G-A. GRCh37 (hg19) VCF-style: chr2-21228313-G-A.
Identifiers: ClinVar variation 922419 (VCV000922419.9), dbSNP rs770020211, ClinGen allele CA046546.

ClinVar aggregate classification (germline): Benign/Likely benign. Review status: criteria provided, multiple submitters, no conflicts (2 of 4 stars). 5 submissions from 5 submitters: Benign (1); Likely benign (4). Last evaluated 2025-06-10.

Conditions:
Familial hypercholesterolemia. Also called: Familial hypercholesterolemias; Familial hypercholesterolaemia. Identifiers: MedGen C0020445, MONDO:0005439.
Cardiovascular phenotype. Identifiers: MedGen CN230736.
Familial hypobetalipoproteinemia 1. Also called: APOB-Related Familial Hypobetalipoproteinemia; Hypobetalipoproteinemia, normotriglyceridemic; Acanthocytosis with hypobetalipoproteinemia. Identifiers: MedGen C4551990, MONDO:0014252, OMIM 615558.
Hypercholesterolemia, autosomal dominant, type B (FHCL2). Also called: Hyperlipoproteinemia Type IIb; Familial Hypercholesterolemia Type B; APOLIPOPROTEIN B-100, FAMILIAL DEFECTIVE; APOLIPOPROTEIN B-100, FAMILIAL LIGAND-DEFECTIVE; Familial hypercholesterolemia 2; HYPERCHOLESTEROLEMIA, FAMILIAL, DUE TO LIGAND-DEFECTIVE APOLIPOPROTEIN B. Identifiers: MedGen C1704417, MONDO:0007751, OMIM 144010.
APOB-related disorder. Also called: APOB-related condition; APOB-related disorders.

Allele frequency attached by ClinVar (database versions not stated): gnomAD exomes 0.00001 and 0.00003; TOPMed 0.00001; ExAC 0.00002; gnomAD below 0.00001 and 0.00001.
gnomAD v4.1: 23 of 1,613,986 alleles (0.0014%); highest among the groups gnomAD compares: South Asian, 0.021%; no homozygotes.

Submissions (5):

Labcorp Genetics (formerly Invitae), Labcorp
Classification: Benign for Familial hypobetalipoproteinemia 1; Hypercholesterolemia, autosomal dominant, type B. Last evaluated: 2025-06-10. Review status: criteria provided, single submitter. Criteria: Invitae Variant Classification Sherloc (09022015). Collection method: clinical testing. Allele origin: germline.

Laboratory of Genetics, Children's Clinical University Hospital Latvia
Classification: Likely benign. Last evaluated: 2025-02-16. Review status: criteria provided, single submitter. Criteria: ACMG Guidelines, 2015. Collection method: clinical testing. Allele origin: germline. Affected: yes.

GENinCode PLC
Classification: Likely benign for Familial hypercholesterolemia. Last evaluated: 2025-01-09. Review status: criteria provided, single submitter. Criteria: ACMG Guidelines, 2015. Collection method: clinical testing. Allele origin: germline.
Comment: This is a synonymous (silent) variant that is not predicted to impact splicing and occurs at a nucleotide which is not highly conserved. This variant has been classified as Likely Benign (BP4, BP7).

PreventionGenetics, part of Exact Sciences
Classification: Likely benign for APOB-related condition. Last evaluated: 2024-12-22. Review status: criteria provided, single submitter. Criteria: ACMG Guidelines, 2015. Collection method: clinical testing. Allele origin: germline.
Comment: This variant is classified as likely benign based on ACMG/AMP sequence variant interpretation guidelines (Richards et al. 2015 PMID: 25741868, with internal and published modifications).

Ambry Genetics
Classification: Likely benign for Cardiovascular phenotype. Last evaluated: 2022-04-01. Review status: criteria provided, single submitter. Criteria: Ambry Variant Classification Scheme 2023. Collection method: clinical testing. Allele origin: germline.